The following is an entry in ClinVar:

ClinVar aggregate classification (germline): Likely benign (1 of 4 stars; one submission).

Allele frequency attached by ClinVar (database versions not stated): gnomAD exomes 0.00018; ExAC 0.00181; gnomAD 0.00232; 1000 Genomes Project 0.00359; 1000 Genomes Project 30x 0.00375.
gnomAD v4.1: 583 of 1,437,396 alleles (0.041%); highest among the groups gnomAD compares: African/African-American, 0.78%; 2 homozygotes.

Submission:

CeGaT Center for Human Genetics Tuebingen
Classification: Likely benign. Last evaluated: 2022-07-01. Review status: criteria provided, single submitter. Criteria: CeGaT Center For Human Genetics Tuebingen Variant Classification Criteria Version 2. Collection method: clinical testing. Allele origin: germline. Affected: yes. Observed: 1 variant allele.
Comment: TNRC18: BP4, BP7

NM_001080495.3(TNRC18):c.3093C>A (p.Pro1031=)

Gene: TNRC18 (trinucleotide repeat containing 18; minus strand). Cytogenetic location: 7p22.1.
Variant type: single nucleotide variant.
Coding change: c.3093C>A on transcript NM_001080495.3 (MANE Select); coding-DNA position 3093, C replaced by A.
Protein change: p.Pro1031=; no amino-acid change (proline 1031 retained).
Molecular consequence: synonymous variant.
Genome position (GRCh38, 1-based): chr7:5,374,191, G>T on the plus strand (C>A on the coding strand, the complement: TNRC18 is on the minus strand). VCF-style: chr7-5374191-G-T. GRCh37 (hg19) VCF-style: chr7-5413822-G-T.
Identifiers: ClinVar variation 2657280 (VCV002657280.24), dbSNP rs540135793, ClinGen allele CA4145148.
Genomic context (GRCh38, chr7:5,374,191, plus strand): 5'-AGCCTCCTCCTTGCGGGTGATACCCGGGGTGGGCGGTGGGGAGGCGGGCGGCGGGCTGGT[G>T]GGGTGGGAGCTGGGGGTGGCGGGGTAGGCGTAGGCGGGTGGCTTGGACACGTCCTCCAGC-3'
Protein context (NP_001073964.2, residues 1021-1041): YAYPATPSSH[Pro1031=]TSPPPASPPP